The following is an entry in ClinVar:

ClinVar aggregate classification (germline): Pathogenic (1 of 4 stars; one submission).

Conditions:
Breast-ovarian cancer, familial, susceptibility to, 3. Also called: RAD51C-Related Breast/Ovarian Cancer. Identifiers: Orphanet 145, MedGen C3150659, MONDO:0013253, OMIM 613399.

Submission:

Myriad Genetics, Inc.
Classification: Pathogenic for Breast-ovarian cancer, familial, susceptibility to, 3. Last evaluated: 2024-01-02. Review status: criteria provided, single submitter. Criteria: Myriad Autosomal Dominant, Autosomal Recessive and X-Linked Classification Criteria (2023). Collection method: clinical testing. Allele origin: unknown.
Comment: This variant is considered pathogenic. This variant creates a frameshift predicted to result in premature protein truncation.

NM_058216.3(RAD51C):c.449dup (p.Val151fs)

Gene: RAD51C (RAD51 paralog C; plus strand). Cytogenetic location: 17q22.
Variant type: Duplication.
Coding change: c.449dup on transcript NM_058216.3 (MANE Select); coding-DNA position 449, one base duplicated (G; older notation c.449dupG).
Protein change: p.Val151fs; shifts the reading frame from valine 151.
Molecular consequence: frameshift variant.
Genome position (GRCh38, 1-based): chr17:58,696,737, G duplicated; the last of 2 consecutive G bases (chr17:58,696,736-58,696,737); duplicating either gives the same sequence. VCF-style (leftmost placement, unchanged base first): chr17-58696735-A-AG. GRCh37 (hg19) VCF-style: chr17-56774096-A-AG.
Other names: short protein forms V151fs.
Identifiers: ClinVar variation 3148351 (VCV003148351.1), dbSNP rs2509281642, ClinGen allele CA2825002564.